The following is an entry in ClinVar:

ClinVar aggregate classification (germline): Likely pathogenic (1 of 4 stars; one submission).

Submission:

GeneDx
Classification: Likely pathogenic. Last evaluated: 2019-08-13. Review status: criteria provided, single submitter. Criteria: GeneDx Variant Classification Process June 2021. Collection method: clinical testing. Allele origin: germline. Affected: yes.
Comment: Not observed in large population cohorts (Lek et al., 2016); In silico analysis, which includes protein predictors and evolutionary conservation, supports a deleterious effect; Has not been previously published as pathogenic or benign to our knowledge

NM_002529.4(NTRK1):c.2092A>C (p.Ser698Arg)

Gene: NTRK1 (neurotrophic receptor tyrosine kinase 1; plus strand). Cytogenetic location: 1q23.1.
Variant type: single nucleotide variant.
Coding change: c.2092A>C on transcript NM_002529.4 (MANE Select); coding-DNA position 2092, A replaced by C.
Protein change: p.Ser698Arg; replaces serine 698 with arginine.
Molecular consequence: missense variant.
Genome position (GRCh38, 1-based): chr1:156,880,044, A>C. VCF-style: chr1-156880044-A-C. GRCh37 (hg19) VCF-style: chr1-156849836-A-C.
Other names: c.1984A>C, p.Ser662Arg (NM_001007792.1); c.2074A>C, p.Ser692Arg (NM_001012331.2); short protein forms S662R, S692R, S698R.
Identifiers: ClinVar variation 1216987 (VCV001216987.3), dbSNP rs2102927297, ClinGen allele CA342940331.